The following is an entry in ClinVar:

ClinVar aggregate classification (germline): Benign (0 of 4 stars; one submission).

Conditions:
RNF212-related disorder. Also called: RNF212-related condition.

Allele frequency attached by ClinVar (database versions not stated): gnomAD exomes 0.78663; gnomAD 0.84487; 1000 Genomes Project 0.83526; TOPMed 0.85193; 1000 Genomes Project 30x 0.84229.
gnomAD v4.1: 785,539 of 987,636 alleles (80%); highest among the groups gnomAD compares: African/African-American, 96%; 313,479 homozygotes.

Submission:

PreventionGenetics, part of Exact Sciences
Classification: Benign for RNF212-related condition. Last evaluated: 2022-03-07. Review status: no assertion criteria provided. Collection method: clinical testing. Allele origin: germline.
Comment: This variant is classified as benign based on ACMG/AMP sequence variant interpretation guidelines (Richards et al. 2015 PMID: 25741868, with internal and published modifications).

NM_001366919.1(RNF212):c.787C>T (p.Pro263Ser)

Gene: RNF212 (ring finger protein 212; minus strand). Cytogenetic location: 4p16.3.
Variant type: single nucleotide variant.
Coding change: c.787C>T on transcript NM_001366919.1; coding-DNA position 787, C replaced by T.
Protein change: p.Pro263Ser; replaces proline 263 with serine.
Molecular consequence: missense variant. On other transcripts: intron variant (1).
Genome position (GRCh38, 1-based): chr4:1,056,865, G>A on the plus strand (C>T on the coding strand, the complement: RNF212 is on the minus strand). VCF-style: chr4-1056865-G-A. GRCh37 (hg19) VCF-style: chr4-1050653-G-A.
Other names: c.648-362C>T (NM_001366918.1); short protein forms P263S.
Identifiers: ClinVar variation 3047718 (VCV003047718.2), dbSNP rs3816474, ClinGen allele CA11675031.